The following is an entry in ClinVar:

ClinVar aggregate classification (germline): Likely benign (0 of 4 stars; one submission).

Conditions:
EP400-related disorder. Also called: EP400-related condition.

gnomAD v4.1: 49 of 1,589,304 alleles (0.0031%); highest among the groups gnomAD compares: Middle Eastern, 0.05%; 1 homozygote.

Submission:

PreventionGenetics, part of Exact Sciences
Classification: Likely benign for EP400-related condition. Last evaluated: 2019-07-23. Review status: no assertion criteria provided. Collection method: clinical testing. Allele origin: germline.
Comment: This variant is classified as likely benign based on ACMG/AMP sequence variant interpretation guidelines (Richards et al. 2015 PMID: 25741868, with internal and published modifications).

NM_015409.5(EP400):c.12C>A (p.Gly4=)

Gene: EP400 (E1A binding protein p400; plus strand). Cytogenetic location: 12q24.33.
Variant type: single nucleotide variant.
Coding change: c.12C>A on transcript NM_015409.5 (MANE Select); coding-DNA position 12, C replaced by A.
Protein change: p.Gly4=; no amino-acid change (glycine 4 retained).
Molecular consequence: synonymous variant.
Genome position (GRCh38, 1-based): chr12:131,960,631, C>A. VCF-style: chr12-131960631-C-A. GRCh37 (hg19) VCF-style: chr12-132445176-C-A.
Identifiers: ClinVar variation 3050241 (VCV003050241.2), dbSNP rs745352509, ClinGen allele CA6884410.